The following is an entry in ClinVar:

ClinVar aggregate classification (germline): Pathogenic/Likely pathogenic. Review status: criteria provided, multiple submitters, no conflicts (2 of 4 stars). 3 submissions from 3 submitters: Pathogenic (2); Likely pathogenic (1). Last evaluated 2026-09-08.

Conditions:
Fabry disease. Also called: Fabry's disease; ALPHA-GALACTOSIDASE A DEFICIENCY; ANDERSON-FABRY DISEASE; CERAMIDE TRIHEXOSIDASE DEFICIENCY; GLA DEFICIENCY; HEREDITARY DYSTOPIC LIPIDOSIS. Identifiers: Orphanet 324, MedGen C0002986, MONDO:0010526, OMIM 301500, HP:0001071. Disease mechanism: Fabry disease is due to inactivating mutations in the X-linked GLA gene resulting in deficiency of the enzyme Alpha Galactosidase-A., loss of function.

Submissions (3):

Genomenon, Inc
Classification: Pathogenic for Fabry disease. Last evaluated: 2026-09-08. Review status: criteria provided, single submitter. Criteria: Genomenon Sequence Variant Interpretation Standards - Updated. Collection method: curation. Allele origin: germline. Affected: yes.
Comment: GLA p.Cys172Arg (c.514T>C) is a missense variant that changes the amino acid at codon 172 from Cysteine to Arginine. This variant has been observed in at least one proband with clinical features consistent with Fabry disease (PMID:15091117;27600940;37940383;10916280;28672034;33807900;35765080). The variant was found to segregate with disease in at least one affected family (PMID:28672034). At least one functional study has demonstrated a substantial alteration in protein function relative to the wild-type (PMID:27657681). This variant is located in a mutational hotspot and/or important functional domain. It is absent or not present at a significant frequency in gnomAD. In silico models predict that this variant is possibly or probably damaging. In conclusion, we classify GLA p.Cys172Arg (c.514T>C) as a pathogenic variant.

CeGaT Center for Human Genetics Tuebingen
Classification: Likely pathogenic. Last evaluated: 2026-01-01. Review status: criteria provided, single submitter. Criteria: CeGaT Center For Human Genetics Tuebingen Variant Classification Criteria Version 2. Collection method: clinical testing. Allele origin: germline. Affected: yes. Observed: 2 variant alleles.
Comment: GLA: PM1, PM2, PM5, PS4:Moderate, BP4

Labcorp Genetics (formerly Invitae), Labcorp
Classification: Pathogenic for Fabry disease. Last evaluated: 2024-01-16. Review status: criteria provided, single submitter. Criteria: Invitae Variant Classification Sherloc (09022015). Collection method: clinical testing. Allele origin: germline.
Comment: This sequence change replaces cysteine, which is neutral and slightly polar, with arginine, which is basic and polar, at codon 172 of the GLA protein (p.Cys172Arg). This variant is not present in population databases (gnomAD no frequency). This missense change has been observed in individuals with Fabry disease (PMID: 10916280, 15091117, 28672034). Advanced modeling of protein sequence and biophysical properties (such as structural, functional, and spatial information, amino acid conservation, physicochemical variation, residue mobility, and thermodynamic stability) performed at Invitae indicates that this missense variant is expected to disrupt GLA protein function with a positive predictive value of 80%. This variant disrupts the p.Cys172 amino acid residue in GLA. Other variant(s) that disrupt this residue have been observed in individuals with GLA-related conditions (PMID: 10916280, 11322659, 15091117, 23935525), which suggests that this may be a clinically significant amino acid residue. For these reasons, this variant has been classified as Pathogenic.

Literature cited by the submitters: PubMed 15091117 (cited by Genomenon, Inc and Labcorp Genetics (formerly Invitae), Labcorp); PubMed 27600940 (cited by Genomenon, Inc); PubMed 37940383 (cited by Genomenon, Inc); PubMed 10916280 (cited by Genomenon, Inc and Labcorp Genetics (formerly Invitae), Labcorp); PubMed 28672034 (cited by Genomenon, Inc and Labcorp Genetics (formerly Invitae), Labcorp); PubMed 33807900 (cited by Genomenon, Inc); PubMed 35765080 (cited by Genomenon, Inc); PubMed 27657681 (cited by Genomenon, Inc); PubMed 11322659 (cited by Labcorp Genetics (formerly Invitae), Labcorp); PubMed 23935525 (cited by Labcorp Genetics (formerly Invitae), Labcorp).

NM_000169.3(GLA):c.514T>C (p.Cys172Arg)

Genes: GLA (galactosidase alpha; minus strand), RPL36A-HNRNPH2 (RPL36A-HNRNPH2 readthrough; plus strand). Cytogenetic location: Xq22.1.
Variant type: single nucleotide variant.
Coding change: c.514T>C on transcript NM_000169.3 (MANE Select); coding-DNA position 514, T replaced by C.
Protein change: p.Cys172Arg; replaces cysteine 172 with arginine.
Molecular consequence: missense variant. On other transcripts: non-coding transcript variant (3), intron variant (2).
Genome position (GRCh38, 1-based): chrX:101,401,665, A>G on the plus strand (T>C on the coding strand, the complement: GLA is on the minus strand). VCF-style: chrX-101401665-A-G. GRCh37 (hg19) VCF-style: chrX-100656653-A-G.
Other names: c.637T>C, p.Cys213Arg (NM_001406747.1, NM_001406749.1); c.514T>C, p.Cys172Arg (NM_001406748.1); c.300+6208A>G (NM_001199973.2); c.177+9843A>G (NM_001199974.2); short protein forms C172R, C213R.
Identifiers: ClinVar variation 2737318 (VCV002737318.13), dbSNP rs2520895194, ClinGen allele CA413928829.
Genomic context (GRCh38, chrX:101,401,665, plus strand): 5'-GGCTAAATCTCTGGAATGAAACATTACCATCTGCCAAATTTTCCAAACTGTCACAGTAAC[A>G]ACCATCAAATTTTAGCAGATCTACTCCCCAGTCAGCAAAGGTCTGGGCATCAATGTCGTA-3'
Protein context (NP_000160.1, residues 162-182): WGVDLLKFDG[Cys172Arg]YCDSLENLAD